The following is an entry in ClinVar:

ClinVar aggregate classification (germline): Likely benign (1 of 4 stars; one submission).

Allele frequency attached by ClinVar (database versions not stated): gnomAD exomes 0.00002; gnomAD 0.00030; ExAC 0.00108.
gnomAD v4.1: 41 of 1,169,216 alleles (0.0035%); highest among the groups gnomAD compares: Middle Eastern, 0.055%; 3 homozygotes.

Submission:

CeGaT Center for Human Genetics Tuebingen
Classification: Likely benign. Last evaluated: 2025-04-01. Review status: criteria provided, single submitter. Criteria: CeGaT Center For Human Genetics Tuebingen Variant Classification Criteria Version 2. Collection method: clinical testing. Allele origin: germline. Affected: yes. Observed: 5 variant alleles.
Comment: DSPP: BP4, BP7

NM_014208.3(DSPP):c.3381T>C (p.Ser1127=)

Genes: DMP1-AS1 (DMP1 and DSPP antisense RNA 1; minus strand), DSPP (dentin sialophosphoprotein; plus strand). Cytogenetic location: 4q22.1.
Variant type: single nucleotide variant.
Coding change: c.3381T>C on transcript NM_014208.3 (MANE Select); coding-DNA position 3381, T replaced by C.
Protein change: p.Ser1127=; no amino-acid change (serine 1127 retained).
Molecular consequence: synonymous variant.
Genome position (GRCh38, 1-based): chr4:87,616,043, T>C. VCF-style: chr4-87616043-T-C. GRCh37 (hg19) VCF-style: chr4-88537195-T-C.
Identifiers: ClinVar variation 2654915 (VCV002654915.24), dbSNP rs770999734, ClinGen allele CA3001639.